The following is an entry in ClinVar:

ClinVar aggregate classification (germline): Uncertain significance (1 of 4 stars; one submission).

Submission:

Ambry Genetics
Classification: Uncertain significance. Last evaluated: 2024-04-14. Review status: criteria provided, single submitter. Criteria: Ambry Variant Classification Scheme 2023. Collection method: clinical testing. Allele origin: germline.
Comment: The p.P124L variant (also known as c.371C>T), located in coding exon 5 of the RAD54L gene, results from a C to T substitution at nucleotide position 371. The proline at codon 124 is replaced by leucine, an amino acid with similar properties. This amino acid position is conserved. In addition, this alteration is predicted to be deleterious by in silico analysis. Based on the available evidence, the clinical significance of this variant remains unclear.

NM_003579.4(RAD54L):c.371C>T (p.Pro124Leu)

Gene: RAD54L (RAD54 like; plus strand). Cytogenetic location: 1p34.1.
Variant type: single nucleotide variant.
Coding change: c.371C>T on transcript NM_003579.4 (MANE Select); coding-DNA position 371, C replaced by T.
Protein change: p.Pro124Leu; replaces proline 124 with leucine.
Molecular consequence: missense variant. On other transcripts: 5 prime UTR variant (1).
Genome position (GRCh38, 1-based): chr1:46,260,063, C>T. VCF-style: chr1-46260063-C-T. GRCh37 (hg19) VCF-style: chr1-46725735-C-T.
Other names: c.371C>T, p.Pro124Leu (NM_001142548.2); c.-170C>T (NM_001370766.1); short protein forms P124L.
Identifiers: ClinVar variation 3312457 (VCV003312457.1).